The following is an entry in ClinVar:

NM_019093.4(UGT1A3):c.804A>G (p.Pro268=)

Genes: UGT1A (UDP glucuronosyltransferase family 1 member A complex locus; plus strand), UGT1A10 (UDP glucuronosyltransferase family 1 member A10; plus strand), UGT1A3 (UDP glucuronosyltransferase family 1 member A3; plus strand), UGT1A4 (UDP glucuronosyltransferase family 1 member A4; plus strand), UGT1A5 (UDP glucuronosyltransferase family 1 member A5; plus strand) and 4 more. Cytogenetic location: 2q37.1.
Variant type: single nucleotide variant.
Coding change: c.804A>G on transcript NM_019093.4 (MANE Select); coding-DNA position 804, A replaced by G.
Protein change: p.Pro268=; no amino-acid change (proline 268 retained).
Molecular consequence: synonymous variant. On other transcripts: intron variant (8).
Genome position (GRCh38, 1-based): chr2:233,729,930, A>G. VCF-style: chr2-233729930-A-G. GRCh37 (hg19) VCF-style: chr2-234638576-A-G.
Other names: c.856-37104A>G (NM_019075.4, NM_021027.3, NM_019077.3 and 1 more transcripts); c.60+36065A>G (NM_205862.3); c.861+36065A>G (NM_001072.4); c.867+16072A>G (NM_019078.2); c.867+10243A>G (NM_007120.3).
Identifiers: ClinVar variation 2652022 (VCV002652022.24), dbSNP rs530125998, ClinGen allele CA2179394.

ClinVar aggregate classification (germline): Likely benign (1 of 4 stars; one submission).

Allele frequency attached by ClinVar (database versions not stated): gnomAD 0.00105; TOPMed 0.00115; 1000 Genomes Project 30x 0.00187; ExAC 0.00264; 1000 Genomes Project 0.00799.

Submission:

CeGaT Center for Human Genetics Tuebingen
Classification: Likely benign. Last evaluated: 2022-09-01. Review status: criteria provided, single submitter. Criteria: CeGaT Center For Human Genetics Tuebingen Variant Classification Criteria Version 2. Collection method: clinical testing. Allele origin: germline. Affected: yes. Observed: 1 variant allele.
Comment: UGT1A3: BP4, BP7